The following is an entry in ClinVar:

NM_033109.5(PNPT1):c.1756T>C (p.Leu586=)

Gene: PNPT1 (polyribonucleotide nucleotidyltransferase 1; minus strand). Cytogenetic location: 2p16.1.
Variant type: single nucleotide variant.
Coding change: c.1756T>C on transcript NM_033109.5 (MANE Select); coding-DNA position 1756, T replaced by C.
Protein change: p.Leu586=; no amino-acid change (leucine 586 retained).
Molecular consequence: synonymous variant.
Genome position (GRCh38, 1-based): chr2:55,645,415, A>G on the plus strand (T>C on the coding strand, the complement: PNPT1 is on the minus strand). VCF-style: chr2-55645415-A-G. GRCh37 (hg19) VCF-style: chr2-55872550-A-G.
Identifiers: ClinVar variation 675931 (VCV000675931.10), dbSNP rs750328203, ClinGen allele CA1667950.

ClinVar aggregate classification (germline): Likely benign. Review status: criteria provided, multiple submitters, no conflicts (2 of 4 stars). 3 submissions from 3 submitters: Likely benign (2). 1 of the submissions does not count toward it. Last evaluated 2024-12-12.

Conditions:
PNPT1-related disorder. Also called: PNPT1-related disorders; PNPT1-related condition.

Allele frequency attached by ClinVar (database versions not stated): ExAC 0.00001; gnomAD exomes 0.00001 and 0.00002; TOPMed 0.00002; gnomAD 0.00003.
gnomAD v4.1: 24 of 1,609,842 alleles (0.0015%); highest among the groups gnomAD compares: Non-Finnish European, 0.0018%; no homozygotes.

Submissions (3):

Labcorp Genetics (formerly Invitae), Labcorp
Classification: Likely benign. Last evaluated: 2024-12-12. Review status: criteria provided, single submitter. Criteria: Invitae Variant Classification Sherloc (09022015). Collection method: clinical testing. Allele origin: germline.

GeneDx
Classification: Likely benign. Last evaluated: 2018-04-11. Review status: criteria provided, single submitter. Criteria: GeneDx Variant Classification (06012015). Collection method: clinical testing. Allele origin: germline. Affected: yes.
Comment: This variant is considered likely benign or benign based on one or more of the following criteria: it is a conservative change, it occurs at a poorly conserved position in the protein, it is predicted to be benign by multiple in silico algorithms, and/or has population frequency not consistent with disease.

PreventionGenetics, part of Exact Sciences
Classification: Likely benign for PNPT1-related condition. Last evaluated: 2019-11-27. Review status: no assertion criteria provided. Collection method: clinical testing. Allele origin: germline. Not counted in ClinVar's aggregate classification.
Comment: This variant is classified as likely benign based on ACMG/AMP sequence variant interpretation guidelines (Richards et al. 2015 PMID: 25741868, with internal and published modifications).